The following is an entry in ClinVar:

NM_198253.3(TERT):c.883T>C (p.Ser295Pro)

Gene: TERT (telomerase reverse transcriptase; minus strand). Cytogenetic location: 5p15.33.
Variant type: single nucleotide variant.
Coding change: c.883T>C on transcript NM_198253.3 (MANE Select); coding-DNA position 883, T replaced by C.
Protein change: p.Ser295Pro; replaces serine 295 with proline.
Molecular consequence: missense variant. On other transcripts: non-coding transcript variant (2).
Genome position (GRCh38, 1-based): chr5:1,294,003, A>G on the plus strand (T>C on the coding strand, the complement: TERT is on the minus strand). VCF-style: chr5-1294003-A-G. GRCh37 (hg19) VCF-style: chr5-1294118-A-G.
Other names: c.883T>C, p.Ser295Pro (NM_001193376.3, NM_003219.1); short protein forms S295P.
Identifiers: ClinVar variation 1764852 (VCV001764852.2), dbSNP rs1347109638, ClinGen allele CA359056324.

ClinVar aggregate classification (germline): Uncertain significance (1 of 4 stars; one submission).

Conditions:
Dyskeratosis congenita. Identifiers: Orphanet 1775, MedGen C0265965, MONDO:0015780.

Allele frequency attached by ClinVar (database versions not stated): TOPMed below 0.00001.

Submission:

Ambry Genetics
Classification: Uncertain significance for Dyskeratosis congenita. Last evaluated: 2022-01-18. Review status: criteria provided, single submitter. Criteria: Ambry Variant Classification Scheme 2023. Collection method: clinical testing. Allele origin: germline.
Comment: The p.S295P variant (also known as c.883T>C), located in coding exon 2 of the TERT gene, results from a T to C substitution at nucleotide position 883. The serine at codon 295 is replaced by proline, an amino acid with similar properties. This amino acid position is conserved. In addition, this alteration is predicted to be tolerated by in silico analysis. Since supporting evidence is limited at this time, the clinical significance of this alteration remains unclear.